The following is an entry in ClinVar:

ClinVar aggregate classification (germline): Likely pathogenic (1 of 4 stars; one submission).

Allele frequency attached by ClinVar (database versions not stated): gnomAD 0.00001; TOPMed 0.00002.
gnomAD v4.1: 3 of 1,614,006 alleles (0.00019%); highest among the groups gnomAD compares: African/African-American, 0.004%; no homozygotes.

Submission:

GeneDx
Classification: Likely pathogenic. Last evaluated: 2019-01-24. Review status: criteria provided, single submitter. Criteria: GeneDx Variant Classification (06012015). Collection method: clinical testing. Allele origin: germline. Affected: yes.
Comment: The W706X variant has not been published as a pathogenic variant, nor has it been reported as a benign variant to our knowledge. The W706X variant is not observed at a significant frequency in large population cohorts (Lek et al., 2016). The W706X nonsense variant is predicted to cause loss of normal protein function either through protein truncation or nonsense-mediated mRNA decay. Therefore, this variant is likely pathogenic; however, the possibility that it is benign cannot be excluded.

NM_024596.5(MCPH1):c.2118G>A (p.Trp706Ter)

Gene: MCPH1 (microcephalin 1; plus strand). Cytogenetic location: 8p23.1.
Variant type: single nucleotide variant.
Coding change: c.2118G>A on transcript NM_024596.5 (MANE Select); coding-DNA position 2118, G replaced by A.
Protein change: p.Trp706Ter; replaces tryptophan 706 with a stop codon.
Molecular consequence: nonsense. On other transcripts: intron variant (1).
Genome position (GRCh38, 1-based): chr8:6,480,858, G>A. VCF-style: chr8-6480858-G-A. GRCh37 (hg19) VCF-style: chr8-6338379-G-A.
Other names: c.2118G>A, p.Trp706Ter (NM_001322042.2, NM_001363979.1); c.1935+25606G>A (NM_001363980.2); short protein forms W706*.
Identifiers: ClinVar variation 620562 (VCV000620562.1), dbSNP rs1427099165, ClinGen allele CA370215859.